The following is an entry in ClinVar:

NM_001034853.2(RPGR):c.1624G>A (p.Asp542Asn)

Gene: RPGR (retinitis pigmentosa GTPase regulator; minus strand). Cytogenetic location: Xp11.4.
Variant type: single nucleotide variant.
Coding change: c.1624G>A on transcript NM_001034853.2 (MANE Select); coding-DNA position 1624, G replaced by A.
Protein change: p.Asp542Asn; replaces aspartic acid 542 with asparagine.
Molecular consequence: missense variant. On other transcripts: non-coding transcript variant (1), intron variant (5).
Genome position (GRCh38, 1-based): chrX:38,287,990, C>T on the plus strand (G>A on the coding strand, the complement: RPGR is on the minus strand). VCF-style: chrX-38287990-C-T. GRCh37 (hg19) VCF-style: chrX-38147243-C-T.
Other names: c.1624G>A, p.Asp542Asn (NM_000328.3); c.1621G>A, p.Asp541Asn (NM_001367245.1); c.1438G>A, p.Asp480Asn (NM_001367246.1); c.1569+2969G>A (NM_001367249.1, NM_001367250.1); c.1386+2969G>A (NM_001367251.1); c.1572+2969G>A (NM_001367247.1); c.1602+2969G>A (NM_001367248.1); c.1624G>A (NM_001034853.1); short protein forms D480N, D541N, D542N.
Identifiers: ClinVar variation 662315 (VCV000662315.44), dbSNP rs1159969109, ClinGen allele CA412737379.
Genomic context (GRCh38, chrX:38,287,990, plus strand): 5'-GTTGTTTACATGCTTTCCCTTCTTTCATTTCTGACATTTCTTCATATTCATCACTATCAT[C>T]GTTTTCAGTAAGAGCTGTATCCTGCGTCAGTTCCCCAATTGTTTGTTGTTTCTGTAAATT-3'
Protein context (NP_001030025.1, residues 532-552): LTQDTALTEN[Asp542Asn]DSDEYEEMSE

ClinVar aggregate classification (germline): Uncertain significance. Review status: criteria provided, multiple submitters, no conflicts (2 of 4 stars). 3 submissions from 3 submitters: Uncertain significance (3). Last evaluated 2026-09-12.

Conditions:
RPGR-related disorder. Also called: RPGR-related condition.
Primary ciliary dyskinesia. Also called: Ciliary dyskinesia. Identifiers: Orphanet 244, MedGen C0008780, MONDO:0016575, HP:0012265.

Allele frequency attached by ClinVar (database versions not stated): TOPMed below 0.00001; gnomAD 0.00001; gnomAD exomes 0.00001.
gnomAD v4.1: 8 of 1,208,867 alleles (0.00066%); highest among the groups gnomAD compares: Middle Eastern, 0.023%; no homozygotes.

Submissions (3):

PreventionGenetics, part of Exact Sciences
Classification: Uncertain significance for RPGR-related condition. Last evaluated: 2026-09-12. Review status: criteria provided, single submitter. Criteria: ACMG Guidelines, 2015. Collection method: clinical testing. Allele origin: germline.
Comment: The RPGR c.1624G>A variant is predicted to result in the amino acid substitution p.Asp542Asn. To our knowledge, this variant has not been reported in the literature. This variant is reported in 0.0037% of alleles in individuals of Latino descent in gnomAD. At this time, the clinical significance of this variant is uncertain due to the absence of conclusive functional and genetic evidence.

Labcorp Genetics (formerly Invitae), Labcorp
Classification: Uncertain significance for Primary ciliary dyskinesia. Last evaluated: 2018-12-26. Review status: criteria provided, single submitter. Criteria: Invitae Variant Classification Sherloc (09022015). Collection method: clinical testing. Allele origin: germline.
Comment: This sequence change replaces aspartic acid with asparagine at codon 542 of the RPGR protein (p.Asp542Asn). The aspartic acid residue is weakly conserved and there is a small physicochemical difference between aspartic acid and asparagine. This variant is not present in population databases (ExAC no frequency). This variant has not been reported in the literature in individuals with RPGR-related conditions. Algorithms developed to predict the effect of missense changes on protein structure and function are either unavailable or do not agree on the potential impact of this missense change (SIFT: "Tolerated"; PolyPhen-2: "Possibly Damaging"; Align-GVGD: "Class C0"). In summary, the available evidence is currently insufficient to determine the role of this variant in disease. Therefore, it has been classified as a Variant of Uncertain Significance.

CeGaT Center for Human Genetics Tuebingen
Classification: Uncertain significance. Last evaluated: 2017-08-01. Review status: criteria provided, single submitter. Criteria: CeGaT Center For Human Genetics Tuebingen Variant Classification Criteria Version 2. Collection method: clinical testing. Allele origin: germline. Affected: yes. Observed: 1 variant allele.